The following is an entry in ClinVar:

ClinVar aggregate classification (germline): Pathogenic (1 of 4 stars; one submission).

Conditions:
Primary ciliary dyskinesia. Also called: Ciliary dyskinesia. Identifiers: Orphanet 244, MedGen C0008780, MONDO:0016575, HP:0012265.

Submission:

Labcorp Genetics (formerly Invitae), Labcorp
Classification: Pathogenic for Primary ciliary dyskinesia. Last evaluated: 2024-01-04. Review status: criteria provided, single submitter. Criteria: Invitae Variant Classification Sherloc (09022015). Collection method: clinical testing. Allele origin: germline.
Comment: This sequence change creates a premature translational stop signal (p.Ala1285Glufs*8) in the DNAH11 gene. It is expected to result in an absent or disrupted protein product. Loss-of-function variants in DNAH11 are known to be pathogenic (PMID: 18022865, 20513915, 22184204). This variant is not present in population databases (gnomAD no frequency). This variant has not been reported in the literature in individuals affected with DNAH11-related conditions. For these reasons, this variant has been classified as Pathogenic.

Literature cited by the submitters: PubMed 18022865; PubMed 20513915; PubMed 22184204.

NM_001277115.2(DNAH11):c.3854del (p.Ala1285fs)

Gene: DNAH11 (dynein axonemal heavy chain 11; plus strand). Cytogenetic location: 7p15.3.
Variant type: Deletion.
Coding change: c.3854del on transcript NM_001277115.2 (MANE Select); coding-DNA position 3854, one base deleted (C; older notation c.3854delC).
Protein change: p.Ala1285fs; shifts the reading frame from alanine 1285.
Molecular consequence: frameshift variant.
Genome position (GRCh38, 1-based): chr7:21,615,115, C deleted. VCF-style (leftmost placement, unchanged base first): chr7-21615114-GC-G. GRCh37 (hg19) VCF-style: chr7-21654732-GC-G.
Other names: c.3854delC, p.Ala1285Glufs (NM_003777.3); short protein forms A1285fs.
Identifiers: ClinVar variation 2707484 (VCV002707484.3), dbSNP rs2534689330, ClinGen allele CA2697557118.